The following is an entry in ClinVar:

ClinVar aggregate classification (germline): Likely pathogenic. Review status: criteria provided, multiple submitters, no conflicts (2 of 4 stars). 2 submissions from 2 submitters: Likely pathogenic (2). Last evaluated 2023-12-19.

Conditions:
Dilated cardiomyopathy 1G (CMD1G). Identifiers: Orphanet 154, MedGen C1858763, MONDO:0011400, OMIM 604145.
Autosomal recessive limb-girdle muscular dystrophy type 2J (LGMDR10). Also called: MUSCULAR DYSTROPHY, LIMB-GIRDLE, AUTOSOMAL RECESSIVE 10; Limb-girdle muscular dystrophy, type 2J. Identifiers: Orphanet 140922, MedGen C1837342, MONDO:0012127, OMIM 608807.

Submissions (2):

Labcorp Genetics (formerly Invitae), Labcorp
Classification: Likely pathogenic for Dilated cardiomyopathy 1G; Autosomal recessive limb-girdle muscular dystrophy type 2J. Last evaluated: 2023-12-19. Review status: criteria provided, single submitter. Criteria: Invitae Variant Classification Sherloc (09022015). Collection method: clinical testing. Allele origin: germline.
Comment: This sequence change creates a premature translational stop signal (p.Met34606Aspfs*13) in the TTN gene. While this is not anticipated to result in nonsense mediated decay, it is expected to create a truncated TTN protein. This variant is not present in population databases (gnomAD no frequency). This variant has not been reported in the literature in individuals affected with TTN-related conditions. This variant is located in the M band of TTN (PMID: 25589632). Truncating variants in this region have been previously reported in individuals affected with autosomal recessive myopathy and muscular dystrophy (PMID: 18948003, 23975875, 24395473). Truncating variants in this region have also been identified in individuals affected with autosomal dominant dilated cardiomyopathy and/or cardio-related conditions (PMID: 27869827, 32964742). In summary, the currently available evidence indicates that the variant is pathogenic, but additional data are needed to prove that conclusively. Therefore, this variant has been classified as Likely Pathogenic.

Revvity Omics, Revvity
Classification: Likely pathogenic. Last evaluated: 2023-05-05. Review status: criteria provided, single submitter. Criteria: ACMG Guidelines, 2015. Collection method: clinical testing. Allele origin: germline.

Literature cited by the submitters: PubMed 25589632 (cited by Labcorp Genetics (formerly Invitae), Labcorp); PubMed 18948003 (cited by Labcorp Genetics (formerly Invitae), Labcorp); PubMed 23975875 (cited by Labcorp Genetics (formerly Invitae), Labcorp); PubMed 24395473 (cited by Labcorp Genetics (formerly Invitae), Labcorp); PubMed 27869827 (cited by Labcorp Genetics (formerly Invitae), Labcorp); PubMed 32964742 (cited by Labcorp Genetics (formerly Invitae), Labcorp).

NM_001267550.2(TTN):c.103814dup (p.Met34606fs)

Genes: TTN (titin; minus strand), TTN-AS1 (TTN antisense RNA 1; plus strand). Cytogenetic location: 2q31.2.
Variant type: Duplication.
Coding change: c.103814dup on transcript NM_001267550.2 (MANE Select); coding-DNA position 103814, one base duplicated (T; older notation c.103814dupT).
Protein change: p.Met34606fs; shifts the reading frame from methionine 34606.
Molecular consequence: frameshift variant.
Genome position (GRCh38, 1-based): chr2:178,532,801, A duplicated on the plus strand (T on the coding strand, the reverse complement: TTN is on the minus strand). VCF-style (leftmost placement, unchanged base first): chr2-178532800-C-CA. GRCh37 (hg19) VCF-style: chr2-179397527-C-CA.
Other names: c.98891dup, p.Met32965fs (NM_001256850.1); c.76619dup, p.Met25541fs (NM_003319.4); c.96110dup, p.Met32038fs (NM_133378.4); c.76994dup, p.Met25666fs (NM_133432.3); c.77195dup, p.Met25733fs (NM_133437.4); short protein forms M25541fs, M25666fs, M25733fs, M32038fs, M32965fs, M34606fs.
Identifiers: ClinVar variation 2690772 (VCV002690772.5), dbSNP rs2468466170, ClinGen allele CA2697547715.